The following is an entry in ClinVar:

NM_001042492.3(NF1):c.3834del (p.Asn1278fs)

Gene: NF1 (neurofibromin 1; plus strand). Cytogenetic location: 17q11.2.
Variant type: Deletion.
Coding change: c.3834del on transcript NM_001042492.3 (MANE Select); coding-DNA position 3834, one base deleted (C; older notation c.3834delC).
Protein change: p.Asn1278fs; shifts the reading frame from asparagine 1278.
Molecular consequence: frameshift variant.
Genome position (GRCh38, 1-based): chr17:31,235,736, C deleted. VCF-style (leftmost placement, unchanged base first): chr17-31235735-AC-A. GRCh37 (hg19) VCF-style: chr17-29562753-AC-A.
Other names: c.3834delC, p.Asn1278Lysfs (NM_000267.4); short protein forms N1278fs.
Identifiers: ClinVar variation 3663353 (VCV003663353.2).
Genomic context (GRCh38, chr17:31,235,735, plus strand): 5'-GGAACATGTTTTCTAAAGAAGTAGAATTGGCAGACTCCATGCAGACTCTCTTCCGAGGCA[AC>A]AGCTTGGCCAGTAAAATAATGACATTCTGTTTCAAGGTTTGTATCATTCATTTTGTGTGT-3'

ClinVar aggregate classification (germline): Pathogenic (1 of 4 stars; one submission).

Conditions:
Neurofibromatosis, type 1 (NF1). Also called: Peripheral type neurofibromatosis; VON RECKLINGHAUSEN DISEASE; NEUROFIBROMATOSIS, TYPE I, SOMATIC; Neurofibromatosis, type I. Identifiers: Orphanet 636, MedGen C0027831, MONDO:0018975, OMIM 162200. Disease mechanism: loss of function.

Submission:

Labcorp Genetics (formerly Invitae), Labcorp
Classification: Pathogenic for Neurofibromatosis, type 1. Last evaluated: 2024-08-24. Review status: criteria provided, single submitter. Criteria: Invitae Variant Classification Sherloc (09022015). Collection method: clinical testing. Allele origin: germline.
Comment: This sequence change creates a premature translational stop signal (p.Asn1278Lysfs*7) in the NF1 gene. It is expected to result in an absent or disrupted protein product. Loss-of-function variants in NF1 are known to be pathogenic (PMID: 10712197, 23913538). This variant is not present in population databases (gnomAD no frequency). This variant has not been reported in the literature in individuals affected with NF1-related conditions. For these reasons, this variant has been classified as Pathogenic.

Literature cited by the submitters: PubMed 10712197; PubMed 23913538.